The following is an entry in ClinVar:

ClinVar aggregate classification (germline): Uncertain significance (1 of 4 stars; one submission).

Conditions:
Inborn genetic diseases. Identifiers: MedGen C0950123, MeSH D030342.

Submission:

Ambry Genetics
Classification: Uncertain significance for Inborn genetic diseases. Last evaluated: 2025-11-12. Review status: criteria provided, single submitter. Criteria: Ambry Variant Classification Scheme 2023. Collection method: clinical testing. Allele origin: germline.
Comment: The c.315G>C (p.M105I) alteration is located in exon 5 (coding exon 4) of the ATP5A1 gene. This alteration results from a G to C substitution at nucleotide position 315, causing the methionine (M) at amino acid position 105 to be replaced by an isoleucine (I). Based on data from gnomAD, the C allele has an overall frequency of 0.002% (4/264812) total alleles studied. The highest observed frequency was 0.015% (1/6754) of Other alleles. Based on insufficient or conflicting evidence, the clinical significance of this alteration remains unclear.

NM_004046.6(ATP5F1A):c.315G>C (p.Met105Ile)

Gene: ATP5F1A (ATP synthase F1 subunit alpha; minus strand). Cytogenetic location: 18q21.1.
Variant type: single nucleotide variant.
Coding change: c.315G>C on transcript NM_004046.6 (MANE Select); coding-DNA position 315, G replaced by C.
Protein change: p.Met105Ile; replaces methionine 105 with isoleucine.
Molecular consequence: missense variant.
Genome position (GRCh38, 1-based): chr18:46,089,991, C>G on the plus strand (G>C on the coding strand, the complement: ATP5F1A is on the minus strand). VCF-style: chr18-46089991-C-G. GRCh37 (hg19) VCF-style: chr18-43669957-C-G.
Other names: c.315G>C, p.Met105Ile (NM_001001937.2, NM_001257334.2); c.165G>C, p.Met55Ile (NM_001257335.2, NM_001001935.3); short protein forms M105I, M55I.
Identifiers: ClinVar variation 4591374 (VCV004591374.1).
Genomic context (GRCh38, chr18:46,089,991, plus strand): 5'-AATTAGTTTATCATTTCCAAACACGACAACACCAACATTGTCAGGTTCCAAGTTCAAGGA[C>G]ATACCCTGCACAAAAGACACAATTGAACATCAATGAAGCTGAATGGGCACTCCTCCCCAT-3'
Protein context (NP_004037.1, residues 95-115): MVEFSSGLKG[Met105Ile]SLNLEPDNVG